The following is an entry in ClinVar:

NM_000135.4(FANCA):c.3056C>G (p.Ser1019Cys)

Gene: FANCA (FA complementation group A; minus strand). Cytogenetic location: 16q24.3.
Variant type: single nucleotide variant.
Coding change: c.3056C>G on transcript NM_000135.4 (MANE Select); coding-DNA position 3056, C replaced by G.
Protein change: p.Ser1019Cys; replaces serine 1019 with cysteine.
Molecular consequence: missense variant.
Genome position (GRCh38, 1-based): chr16:89,752,148, G>C on the plus strand (C>G on the coding strand, the complement: FANCA is on the minus strand). VCF-style: chr16-89752148-G-C. GRCh37 (hg19) VCF-style: chr16-89818556-G-C.
Other names: c.3056C>G, p.Ser1019Cys (NM_001286167.3); c.3056C>G (NM_000135.3); short protein forms S1019C.
Identifiers: ClinVar variation 1692213 (VCV001692213.2), dbSNP rs762111755, ClinGen allele CA8251371.
Genomic context (GRCh38, chr16:89,752,148, plus strand): 5'-CGCGGCTTAAATGAAGTGAATGCACTGAGTTGTGGCACCCTCAAACTCACCTGCAATCTG[G>C]AAATAATATCCTCATTTCCTGTGCGGCCACCAAAGACCAAATCAGAATTTTCTGAGTGGT-3'
Protein context (NP_000126.2, residues 1009-1029): GGRTGNEDII[Ser1019Cys]RLQEMVADLE

ClinVar aggregate classification (germline): Uncertain significance. Review status: criteria provided, multiple submitters, no conflicts (2 of 4 stars). 2 submissions from 2 submitters: Uncertain significance (2). Last evaluated 2022-10-07.

Conditions:
Fanconi anemia (FA). Also called: Fanconi's anemia. Identifiers: Orphanet 84, MedGen C0015625, MeSH D005199, MONDO:0019391.

Allele frequency attached by ClinVar (database versions not stated): ExAC 0.00001.

Submissions (2):

Quest Diagnostics Nichols Institute San Juan Capistrano
Classification: Uncertain significance. Last evaluated: 2022-10-07. Review status: criteria provided, single submitter. Criteria: Quest Diagnostics criteria. Collection method: clinical testing. Allele origin: unknown.
Comment: It has not been reported in large, multi-ethnic general populations. In the published literature, the variant has been reported in a screening study for Mendelian disorders (PMID: 24123366 (2014)). Analysis of this variant using bioinformatics tools for the prediction of the effect of amino acid changes on protein structure and function yielded predictions that this variant is benign. Based on the available information, we are unable to determine the clinical significance of this variant.

Sema4
Classification: Uncertain significance for Fanconi anemia. Last evaluated: 2021-10-19. Review status: criteria provided, single submitter. Criteria: Sema4 Curation Guidelines. Collection method: curation. Allele origin: germline.
Comment: The FANCA c.3056C>G (p.S1019C) variant has not been reported in the literature to our knowledge. It was not observed in the large and broad cohorts of the Genome Aggregation Database (PMID: 32461654). The variant has not been reported in ClinVar. Functional studies have not been performed, and in silico predictions of the variant's effect on protein function are inconclusive. The evidence is insufficient to meet ACMG/AMP criteria for classifying the variant as benign or pathogenic. Thus, the clinical significance of this variant is currently uncertain.

Literature cited by the submitters: PubMed 24123366 (cited by Quest Diagnostics Nichols Institute San Juan Capistrano).